The following is an entry in ClinVar:

ClinVar aggregate classification (germline): Uncertain significance (1 of 4 stars; one submission).

Submission:

GeneDx
Classification: Uncertain significance. Last evaluated: 2022-03-17. Review status: criteria provided, single submitter. Criteria: GeneDx Variant Classification Process June 2021. Collection method: clinical testing. Allele origin: germline. Affected: yes.
Comment: Not observed at significant frequency in large population cohorts (gnomAD); In silico analysis supports that this missense variant has a deleterious effect on protein structure/function; Has not been previously published as pathogenic or benign to our knowledge

NM_001394062.1(MACF1):c.22388C>A (p.Thr7463Lys)

Gene: MACF1 (microtubule actin crosslinking factor 1; plus strand). Cytogenetic location: 1p34.3.
Variant type: single nucleotide variant.
Coding change: c.22388C>A on transcript NM_001394062.1 (MANE Select); coding-DNA position 22388, C replaced by A.
Protein change: p.Thr7463Lys; replaces threonine 7463 with lysine.
Molecular consequence: missense variant.
Genome position (GRCh38, 1-based): chr1:39,484,707, C>A. VCF-style: chr1-39484707-C-A. GRCh37 (hg19) VCF-style: chr1-39950379-C-A.
Other names: c.10268C>A, p.Thr3423Lys (NM_001397473.1); c.16013C>A, p.Thr5338Lys (NM_012090.5); c.497C>A, p.Thr166Lys (NM_033024.1); short protein forms T166K, T3423K, T5338K, T7463K.
Identifiers: ClinVar variation 1706099 (VCV001706099.2), dbSNP rs1246259204, ClinGen allele CA339786773.
Genomic context (GRCh38, chr1:39,484,707, plus strand): 5'-TTCATTCTAGTCGGACATCCCTTGCTGGTGATACCAGCAATAGTTCTTCCCCGGCCTCCA[C>A]AGGTGCCAAAACTAATCGGGCAGGTAAGTACCTGCCCCGTGACCTACAAGCCAGGCTGAG-3'
Protein context (NP_001380991.1, residues 7453-7473): DTSNSSSPAS[Thr7463Lys]GAKTNRADPK